The following is an entry in ClinVar:

NM_003560.4(PLA2G6):c.1999G>T (p.Glu667Ter)

Gene: PLA2G6 (phospholipase A2 group VI; minus strand). Cytogenetic location: 22q13.1.
Variant type: single nucleotide variant.
Coding change: c.1999G>T on transcript NM_003560.4 (MANE Select); coding-DNA position 1999, G replaced by T.
Protein change: p.Glu667Ter; replaces glutamic acid 667 with a stop codon.
Molecular consequence: nonsense.
Genome position (GRCh38, 1-based): chr22:38,115,562, C>A on the plus strand (G>T on the coding strand, the complement: PLA2G6 is on the minus strand). VCF-style: chr22-38115562-C-A. GRCh37 (hg19) VCF-style: chr22-38511569-C-A.
Other names: c.1837G>T, p.Glu613Ter (NM_001004426.3, NM_001199562.3, NM_001349865.2 and 1 more transcripts); c.1999G>T, p.Glu667Ter (NM_001349864.2); c.1465G>T, p.Glu489Ter (NM_001349867.2); c.1321G>T, p.Glu441Ter (NM_001349868.2); c.1303G>T, p.Glu435Ter (NM_001349869.2); short protein forms E435*, E441*, E489*, E613*, E667*.
Identifiers: ClinVar variation 4854097 (VCV004854097.1).

ClinVar aggregate classification (germline): Pathogenic (1 of 4 stars; one submission).

Conditions:
Infantile neuroaxonal dystrophy (NBIA2A). Also called: SEITELBERGER DISEASE; Infantile neuroaxonal dystrophy 1; NEURODEGENERATION WITH BRAIN IRON ACCUMULATION 2A. Identifiers: Orphanet 35069, MedGen C0270724, MONDO:0024457, OMIM 256600.

Submission:

3billion
Classification: Pathogenic for Infantile neuroaxonal dystrophy. Last evaluated: 2025-08-20. Review status: criteria provided, single submitter. Criteria: ACMG Guidelines, 2015. Collection method: clinical testing. Allele origin: germline. Affected: yes.
Comment: The variant is not observed in the gnomAD v4.1.0 dataset. Predicted Consequence/Location: Stop-gained (nonsense): predicted to result in a loss or disruption of normal protein function through nonsense-mediated decay (NMD) or protein truncation. Multiple pathogenic variants are reported downstream of the variant. The variant has been reported to be associated with PLA2G6-related disorder (PMID: 31069529). Therefore, this variant is classified as Pathogenic according to the recommendation of ACMG/AMP guideline.

Literature cited by the submitters: PubMed 31069529.